The following is an entry in ClinVar:

NM_058216.3(RAD51C):c.185A>G (p.Gln62Arg)

Gene: RAD51C (RAD51 paralog C; plus strand). Cytogenetic location: 17q22.
Variant type: single nucleotide variant.
Coding change: c.185A>G on transcript NM_058216.3 (MANE Select); coding-DNA position 185, A replaced by G.
Protein change: p.Gln62Arg; replaces glutamine 62 with arginine.
Molecular consequence: missense variant. On other transcripts: non-coding transcript variant (2).
Genome position (GRCh38, 1-based): chr17:58,694,970, A>G. VCF-style: chr17-58694970-A-G. GRCh37 (hg19) VCF-style: chr17-56772331-A-G.
Other names: c.185A>G, p.Gln62Arg (NM_002876.4); short protein forms Q62R.
Identifiers: ClinVar variation 486276 (VCV000486276.21), dbSNP rs1308150896, ClinGen allele CA400339804.
Genomic context (GRCh38, chr17:58,694,970, plus strand): 5'-TTTTTCTTATTTTACTTTCAGAAGTTGGGATATCTAAAGCAGAAGCCTTAGAAACTCTGC[A>G]AATTATCAGAAGAGAATGTCTCACAAATAAACCAAGATATGCTGGTACATCTGAGTCACA-3'
Protein context (NP_478123.1, residues 52-72): ISKAEALETL[Gln62Arg]IIRRECLTNK

ClinVar aggregate classification (germline): Conflicting classifications of pathogenicity. Review status: criteria provided, conflicting classifications (1 of 4 stars). 3 submissions from 3 submitters: Uncertain significance (2); Benign (1). Last evaluated 2026-01-26.

Conditions:
Hereditary cancer-predisposing syndrome. Also called: Tumor predisposition; Neoplastic Syndromes, Hereditary; Hereditary Cancer Syndrome; Hereditary neoplastic syndrome. Identifiers: Orphanet 140162, MedGen C0027672, MeSH D009386, MONDO:0015356.
Fanconi anemia complementation group O. Also called: RAD51C-Related Fanconi Anemia. Identifiers: Orphanet 84, MedGen C3150653, MONDO:0013248, OMIM 613390.

Allele frequency attached by ClinVar (database versions not stated): gnomAD exomes below 0.00001; gnomAD 0.00001; TOPMed 0.00001.
gnomAD v4.1: 3 of 1,614,038 alleles (0.00019%); highest among the groups gnomAD compares: African/African-American, 0.0013%; no homozygotes.

Submissions (3):

Labcorp Genetics (formerly Invitae), Labcorp
Classification: Uncertain significance for Fanconi anemia complementation group O. Last evaluated: 2026-01-26. Review status: criteria provided, single submitter. Criteria: Invitae Variant Classification Sherloc (09022015). Collection method: clinical testing. Allele origin: germline.
Comment: This sequence change replaces glutamine, which is neutral and polar, with arginine, which is basic and polar, at codon 62 of the RAD51C protein (p.Gln62Arg). This variant is not present in population databases (gnomAD no frequency). This variant has not been reported in the literature in individuals affected with RAD51C-related conditions. ClinVar contains an entry for this variant (Variation ID: 486276). Invitae Evidence Modeling of protein sequence and biophysical properties (such as structural, functional, and spatial information, amino acid conservation, physicochemical variation, residue mobility, and thermodynamic stability) indicates that this missense variant is not expected to disrupt RAD51C protein function with a negative predictive value of 80%. In summary, the available evidence is currently insufficient to determine the role of this variant in disease. Therefore, it has been classified as a Variant of Uncertain Significance.

Ambry Genetics
Classification: Benign for Hereditary cancer-predisposing syndrome. Last evaluated: 2025-10-08. Review status: criteria provided, single submitter. Criteria: Ambry Variant Classification Scheme 2023. Collection method: clinical testing. Allele origin: germline.

Color Diagnostics, LLC DBA Color Health
Classification: Uncertain significance for Hereditary cancer-predisposing syndrome. Last evaluated: 2023-12-04. Review status: criteria provided, single submitter. Criteria: ACMG Guidelines, 2015. Collection method: clinical testing. Allele origin: germline.
Comment: This missense variant replaces glutamine with arginine at codon 62 of the RAD51C protein. Computational prediction suggests that this variant may not impact protein structure and function (internally defined REVEL score threshold <= 0.5, PMID: 27666373). To our knowledge, functional studies have not been reported for this variant. This variant has not been reported in individuals affected with RAD51C-related disorders in the literature. This variant has not been identified in the general population by the Genome Aggregation Database (gnomAD). The available evidence is insufficient to determine the role of this variant in disease conclusively. Therefore, this variant is classified as a Variant of Uncertain Significance.